The following is an entry in ClinVar:

NM_001379500.1(COL18A1):c.3280G>A (p.Val1094Met)

Genes: COL18A1 (collagen type XVIII alpha 1 chain; plus strand), SLC19A1 (solute carrier family 19 member 1; minus strand). Cytogenetic location: 21q22.3.
Variant type: single nucleotide variant.
Coding change: c.3280G>A on transcript NM_001379500.1 (MANE Select); coding-DNA position 3280, G replaced by A.
Protein change: p.Val1094Met; replaces valine 1094 with methionine.
Molecular consequence: missense variant.
Genome position (GRCh38, 1-based): chr21:45,509,386, G>A. VCF-style: chr21-45509386-G-A. GRCh37 (hg19) VCF-style: chr21-46929300-G-A.
Other names: c.3811G>A, p.Val1271Met (NM_030582.4); c.4516G>A, p.Val1506Met (NM_130444.3); short protein forms V1506M, V1094M, V1271M.
Identifiers: ClinVar variation 1357750 (VCV001357750.4), dbSNP rs746062916, ClinGen allele CA10067842.
Genomic context (GRCh38, chr21:45,509,386, plus strand): 5'-GCCGACAGGCCCCACGTCTCCCACCTGCAGGACAATGAAGTGGCCGCCTTGCAGCCCCCC[G>A]TGGTGCAGCTGCACGACAGCAACCCCTACCCGCGGCGGGAGCACCCCCACCCCACCGCGC-3'
Protein context (NP_001366429.1, residues 1084-1104): DNEVAALQPP[Val1094Met]VQLHDSNPYP

ClinVar aggregate classification (germline): Conflicting classifications of pathogenicity. Review status: criteria provided, conflicting classifications (1 of 4 stars). 2 submissions from 2 submitters: Uncertain significance (1); Benign (1). Last evaluated 2024-09-10.

Allele frequency attached by ClinVar (database versions not stated): gnomAD 0.00001 and 0.00004; TOPMed 0.00003; gnomAD exomes 0.00013 and 0.00032; 1000 Genomes Project 30x 0.00016; ExAC 0.00123.
gnomAD v4.1: 175 of 1,541,420 alleles (0.011%); highest among the groups gnomAD compares: South Asian, 0.16%; 2 homozygotes.

Submissions (2):

Blueprint Genetics
Classification: Benign. Last evaluated: 2024-09-10. Review status: criteria provided, single submitter. Criteria: ACMG Guidelines, 2015. Collection method: clinical testing. Allele origin: germline.

Labcorp Genetics (formerly Invitae), Labcorp
Classification: Uncertain significance. Last evaluated: 2022-10-13. Review status: criteria provided, single submitter. Criteria: Invitae Variant Classification Sherloc (09022015). Collection method: clinical testing. Allele origin: germline.
Comment: This sequence change replaces valine, which is neutral and non-polar, with methionine, which is neutral and non-polar, at codon 1091 of the COL18A1 protein (p.Val1091Met). This variant is present in population databases (rs746062916, gnomAD 0.2%). This variant has not been reported in the literature in individuals affected with COL18A1-related conditions. ClinVar contains an entry for this variant (Variation ID: 1357750). Experimental studies and prediction algorithms are not available or were not evaluated, and the functional significance of this variant is currently unknown. In summary, the available evidence is currently insufficient to determine the role of this variant in disease. Therefore, it has been classified as a Variant of Uncertain Significance.